The following is an entry in ClinVar:

NM_001366521.1(ATP2B1):c.1157T>C (p.Ile386Thr)

Gene: ATP2B1 (ATPase plasma membrane Ca2+ transporting 1; minus strand). Cytogenetic location: 12q21.33.
Variant type: single nucleotide variant.
Coding change: c.1157T>C on transcript NM_001366521.1 (MANE Select); coding-DNA position 1157, T replaced by C.
Protein change: p.Ile386Thr; replaces isoleucine 386 with threonine.
Molecular consequence: missense variant. On other transcripts: non-coding transcript variant (3).
Genome position (GRCh38, 1-based): chr12:89,624,370, A>G on the plus strand (T>C on the coding strand, the complement: ATP2B1 is on the minus strand). VCF-style: chr12-89624370-A-G. GRCh37 (hg19) VCF-style: chr12-90018147-A-G.
Other names: c.1157T>C, p.Ile386Thr (NM_001001323.2, NM_001366520.1, NM_001366522.1 and 13 more transcripts); c.959T>C, p.Ile320Thr (NM_001366530.1, NM_001413053.1); c.596T>C, p.Ile199Thr (NM_001366531.1, NM_001366532.1, NM_001413058.1 and 2 more transcripts); c.1118T>C, p.Ile373Thr (NM_001413048.1); c.1016T>C, p.Ile339Thr (NM_001413051.1, NM_001413052.1, NM_001413055.1); c.902T>C, p.Ile301Thr (NM_001413056.1); c.704T>C, p.Ile235Thr (NM_001413057.1); short protein forms I199T, I235T, I301T, I320T, I339T, I373T, I386T.
Identifiers: ClinVar variation 3256693 (VCV003256693.2).
Genomic context (GRCh38, chr12:89,624,370, plus strand): 5'-GCAAGCCATGGTCTTTTCTGAACCCAGAAGGTGTCAATGACAAAATATAATACTAGAATG[A>G]TAACTGTGATGGCAGACATCAACAGACCTTTCAGAATAGAAATGAAAGAAAAATGTGATT-3'
Protein context (NP_001353450.1, residues 376-396): AGLLMSAITV[Ile386Thr]ILVLYFVIDT

ClinVar aggregate classification (germline): Uncertain significance. Review status: criteria provided, single submitter (1 of 4 stars). 2 submissions from 2 submitters: Uncertain significance (1). 1 of the submissions does not count toward it. Last evaluated 2024-05-14.

Conditions:
Intellectual developmental disorder, autosomal dominant 66. Also called: MENTAL RETARDATION, AUTOSOMAL DOMINANT 66. Identifiers: MedGen C5677000, MONDO:0030891, OMIM 619910.

gnomAD v4.1: 3 of 1,614,002 alleles (0.00019%); highest among the groups gnomAD compares: Non-Finnish European, 0.00025%; no homozygotes.

Submissions (2):

MVZ Medizinische Genetik Mainz
Classification: Uncertain significance for Intellectual developmental disorder, autosomal dominant 66. Last evaluated: 2024-05-14. Review status: criteria provided, single submitter. Criteria: UK Practice Guidelines For Variant Classification V4 01 2020. Collection method: clinical testing. Allele origin: germline. Inheritance: Autosomal dominant inheritance. Observed: 1 variant allele.
Comment: ACMG Criteria: PM1_SUP,PM2_SUP,PP2,PP3

Clinical Genetics Laboratory, University Hospital Schleswig-Holstein
Classification: Uncertain significance for Intellectual developmental disorder, autosomal dominant 66. Last evaluated: 2023-10-18. Review status: no assertion criteria provided. Collection method: clinical testing. Allele origin: germline. Affected: yes. Not counted in ClinVar's aggregate classification.